The following is an entry in ClinVar:

NM_017780.4(CHD7):c.451C>G (p.Gln151Glu)

Gene: CHD7 (chromodomain helicase DNA binding protein 7; plus strand). Cytogenetic location: 8q12.2.
Variant type: single nucleotide variant.
Coding change: c.451C>G on transcript NM_017780.4 (MANE Select); coding-DNA position 451, C replaced by G.
Protein change: p.Gln151Glu; replaces glutamine 151 with glutamic acid.
Molecular consequence: missense variant.
Genome position (GRCh38, 1-based): chr8:60,741,883, C>G. VCF-style: chr8-60741883-C-G. GRCh37 (hg19) VCF-style: chr8-61654442-C-G.
Other names: c.451C>G, p.Gln151Glu (NM_001316690.1); short protein forms Q151E.
Identifiers: ClinVar variation 1810658 (VCV001810658.1), dbSNP rs2487263636, ClinGen allele CA371297421.
Genomic context (GRCh38, chr8:60,741,883, plus strand): 5'-AATGAGAGGCATGGGCAATCCTTTGTGGACAGCAGCTCCATGTGGGGCCCCAGGGCTGTT[C>G]AGGTACCAGACCAGATACGAGCCCCCTACCAGCAGCAGCAGCCACAGCCGCAGCCACCGC-3'
Protein context (NP_060250.2, residues 141-161): SSSMWGPRAV[Gln151Glu]VPDQIRAPYQ

ClinVar aggregate classification (germline): Uncertain significance (1 of 4 stars; one submission).

Allele frequency attached by ClinVar (database versions not stated): gnomAD exomes below 0.00001.
gnomAD v4.1: 1 of 1,613,650 alleles (0.000062%); highest among the groups gnomAD compares: Non-Finnish European, 0.000085%; no homozygotes.

Submission:

GeneDx
Classification: Uncertain significance. Last evaluated: 2022-07-09. Review status: criteria provided, single submitter. Criteria: GeneDx Variant Classification Process June 2021. Collection method: clinical testing. Allele origin: germline. Affected: yes.
Comment: Not observed at significant frequency in large population cohorts (gnomAD); In silico analysis supports that this missense variant does not alter protein structure/function; Has not been previously published as pathogenic or benign to our knowledge